The following is an entry in ClinVar:

NM_001365536.1(SCN9A):c.3362G>A (p.Arg1121Gln)

Genes: SCN1A-AS1 (SCN1A and SCN9A antisense RNA 1; plus strand), SCN9A (sodium voltage-gated channel alpha subunit 9; minus strand). Cytogenetic location: 2q24.3.
Variant type: single nucleotide variant.
Coding change: c.3362G>A on transcript NM_001365536.1 (MANE Select); coding-DNA position 3362, G replaced by A.
Protein change: p.Arg1121Gln; replaces arginine 1121 with glutamine.
Molecular consequence: missense variant. On other transcripts: non-coding transcript variant (1).
Genome position (GRCh38, 1-based): chr2:166,251,875, C>T on the plus strand (G>A on the coding strand, the complement: SCN9A is on the minus strand). VCF-style: chr2-166251875-C-T. GRCh37 (hg19) VCF-style: chr2-167108385-C-T.
Other names: c.3329G>A, p.Arg1110Gln (NM_002977.4); short protein forms R1110Q, R1121Q.
Identifiers: ClinVar variation 130262 (VCV000130262.44), dbSNP rs74401238, ClinGen allele CA155125.

ClinVar aggregate classification (germline): Benign/Likely benign. Review status: criteria provided, multiple submitters, no conflicts (2 of 4 stars). 13 submissions from 11 submitters: Benign (8); Likely benign (2). 3 of the submissions do not count toward it. Last evaluated 2026-09-01.

Conditions:
Generalized epilepsy with febrile seizures plus, type 7 (GEFSP7). Also called: GEFS+, TYPE 7. Identifiers: Orphanet 36387, MedGen C2751778, MONDO:0013470, OMIM 613863.
Neuropathy, hereditary sensory and autonomic, type 2A (HSAN2A). Also called: WNK1-Related HSAN2 (HSAN2A); MORVAN DISEASE; NEUROPATHY, CONGENITAL SENSORY; NEUROPATHY, HEREDITARY SENSORY RADICULAR, AUTOSOMAL RECESSIVE; NEUROPATHY, HEREDITARY SENSORY, TYPE IIA; NEUROPATHY, PROGRESSIVE SENSORY, OF CHILDREN. Identifiers: Orphanet 970, MedGen C2752089, MONDO:0024309, OMIM 201300.
Paroxysmal extreme pain disorder (PEXPD). Also called: SCN9A Paroxysmal Extreme Pain Disorder (SCN9A-PEPD); PAIN, SUBMANDIBULAR, OCULAR, AND RECTAL, WITH FLUSHING; RECTAL PAIN, FAMILIAL. Identifiers: Orphanet 46348, MedGen C1833661, MONDO:0008179, OMIM 167400.
Primary erythromelalgia. Also called: SCN9A Erythromelalgia (SCN9A-EM); primary erythermalgia. Identifiers: Orphanet 306577, Orphanet 90026, MedGen C0014805, MONDO:0007571, OMIM 133020.
Channelopathy-associated congenital insensitivity to pain, autosomal recessive. Also called: CONGENITAL ANALGESIA, AUTOSOMAL RECESSIVE; ASYMBOLIA FOR PAIN; Insensitivity to pain, channelopathy-associated. Identifiers: Orphanet 88642, Orphanet 970, MedGen C1855739, MONDO:0009459, OMIM 243000.

Allele frequency attached by ClinVar (database versions not stated): 1000 Genomes Project 0.01917; 1000 Genomes Project 30x 0.01936; TOPMed 0.02002; gnomAD 0.02210; ESP Exome Variant Server 0.02365.
gnomAD v4.1: 30,803 of 1,611,986 alleles (1.9%); highest among the groups gnomAD compares: Middle Eastern, 3.3%; 374 homozygotes.

Submissions (13):

CeGaT Center for Human Genetics Tuebingen
Classification: Benign. Last evaluated: 2026-09-01. Review status: criteria provided, single submitter. Criteria: CeGaT Center For Human Genetics Tuebingen Variant Classification Criteria Version 2. Collection method: clinical testing. Allele origin: germline. Affected: yes. Observed: 22 variant alleles.
Comment: SCN9A: BP4, BS1, BS2

Labcorp Genetics (formerly Invitae), Labcorp
Classification: Benign for Neuropathy, hereditary sensory and autonomic, type 2A; Generalized epilepsy with febrile seizures plus, type 7. Last evaluated: 2026-02-04. Review status: criteria provided, single submitter. Criteria: Invitae Variant Classification Sherloc (09022015). Collection method: clinical testing. Allele origin: germline.

ARUP Laboratories, Molecular Genetics and Genomics, ARUP Laboratories
Classification: Benign. Last evaluated: 2025-04-02. Review status: criteria provided, single submitter. Criteria: ARUP Molecular Germline Variant Investigation Process 2024. Collection method: clinical testing. Allele origin: germline.

Blueprint Genetics
Classification: Likely benign. Last evaluated: 2024-11-26. Review status: criteria provided, single submitter. Criteria: ACMG Guidelines, 2015. Collection method: clinical testing. Allele origin: germline.

Athena Diagnostics
Classification: Benign. Last evaluated: 2018-11-21. Review status: criteria provided, single submitter. Criteria: Athena Diagnostics Criteria. Collection method: clinical testing. Allele origin: germline.

Illumina Laboratory Services, Illumina
Classification: Benign for Primary erythromelalgia. Last evaluated: 2018-01-13. Review status: criteria provided, single submitter. Criteria: ICSL Variant Classification Criteria 13 December 2019. Collection method: clinical testing. Allele origin: germline.
Comment: This variant was observed in the ICSL laboratory as part of a predisposition screen in an ostensibly healthy population. It had not been previously curated by ICSL or reported in the Human Gene Mutation Database (HGMD: prior to June 1st, 2018), and was therefore a candidate for classification through an automated scoring system. Utilizing variant allele frequency, disease prevalence and penetrance estimates, and inheritance mode, an automated score was calculated to assess if this variant is too frequent to cause the disease. Based on the score and internal cut-off values, a variant classified as benign is not then subjected to further curation. The score for this variant resulted in a classification of benign for this disease.

Illumina Laboratory Services, Illumina
Classification: Benign for Paroxysmal extreme pain disorder. Last evaluated: 2018-01-13. Review status: criteria provided, single submitter. Criteria: ICSL Variant Classification Criteria 13 December 2019. Collection method: clinical testing. Allele origin: germline.
Comment: the same text as in the submission from Illumina Laboratory Services, Illumina above.

Illumina Laboratory Services, Illumina
Classification: Benign for Channelopathy-associated congenital insensitivity to pain, autosomal recessive. Last evaluated: 2018-01-13. Review status: criteria provided, single submitter. Criteria: ICSL Variant Classification Criteria 13 December 2019. Collection method: clinical testing. Allele origin: germline.
Comment: the same text as in the submission from Illumina Laboratory Services, Illumina above.

Mayo Clinic Laboratories, Mayo Clinic
Classification: Benign. Last evaluated: 2016-03-24. Review status: criteria provided, single submitter. Criteria: ACMG Guidelines, 2015. Collection method: clinical testing. Allele origin: germline. Observed: 87 variant alleles.

Breakthrough Genomics
Classification: Likely benign. Review status: criteria provided, single submitter. Criteria: ACMG Guidelines, 2015. Collection method: not provided. Allele origin: germline. Inheritance: Autosomal recessive inheritance. Affected: yes.

Clinical Genetics, Academic Medical Center
Classification: Benign. Review status: no assertion criteria provided. Collection method: clinical testing. Allele origin: germline. Affected: yes. Study: VKGL Data-share Consensus. Not counted in ClinVar's aggregate classification.

Genetic Services Laboratory, University of Chicago
Classification: Likely benign for AllHighlyPenetrant. Review status: no assertion criteria provided. Collection method: clinical testing. Allele origin: germline. Inheritance: Autosomal dominant inheritance. Not counted in ClinVar's aggregate classification.
Comment: Likely benign based on allele frequency in 1000 Genomes Project or ESP global frequency and its presence in a patient with a rare or unrelated disease phenotype. NOT Sanger confirmed.

Genome Diagnostics Laboratory, University Medical Center Utrecht
Classification: Benign. Review status: no assertion criteria provided. Collection method: clinical testing. Allele origin: germline. Affected: yes. Study: VKGL Data-share Consensus. Not counted in ClinVar's aggregate classification.